The following is an entry in ClinVar:

ClinVar aggregate classification (germline): Likely benign (1 of 4 stars; one submission).

gnomAD v4.1: 11 of 1,610,922 alleles (0.00068%); highest among the groups gnomAD compares: South Asian, 0.0033%; no homozygotes.

Submission:

CeGaT Center for Human Genetics Tuebingen
Classification: Likely benign. Last evaluated: 2025-04-01. Review status: criteria provided, single submitter. Criteria: CeGaT Center For Human Genetics Tuebingen Variant Classification Criteria Version 2. Collection method: clinical testing. Allele origin: germline. Affected: yes. Observed: 1 variant allele.
Comment: PPFIA3: BP4, BP7

NM_003660.4(PPFIA3):c.3555C>T (p.Asp1185=)

Gene: PPFIA3 (PPFI scaffold protein A3; plus strand). Cytogenetic location: 19q13.33.
Variant type: single nucleotide variant.
Coding change: c.3555C>T on transcript NM_003660.4 (MANE Select); coding-DNA position 3555, C replaced by T.
Protein change: p.Asp1185=; no amino-acid change (aspartic acid 1185 retained).
Molecular consequence: synonymous variant. On other transcripts: non-coding transcript variant (1).
Genome position (GRCh38, 1-based): chr19:49,150,108, C>T. VCF-style: chr19-49150108-C-T. GRCh37 (hg19) VCF-style: chr19-49653365-C-T.
Identifiers: ClinVar variation 3898362 (VCV003898362.7).